The following is an entry in ClinVar:

NM_004629.2(FANCG):c.601_602del (p.Gln201fs)

Gene: FANCG (FA complementation group G; minus strand). Cytogenetic location: 9p13.3.
Variant type: Deletion.
Coding change: c.601_602del on transcript NM_004629.2 (MANE Select); coding-DNA positions 601 to 602, 2 bases deleted (CA; older notation c.601_602delCA).
Protein change: p.Gln201fs; shifts the reading frame from glutamine 201.
Molecular consequence: frameshift variant.
Genome position (GRCh38, 1-based): chr9:35,077,308-35,077,309, TG deleted on the plus strand (CA on the coding strand, the reverse complement: FANCG is on the minus strand). VCF-style (leftmost placement, unchanged base first): chr9-35077307-CTG-C. GRCh37 (hg19) VCF-style: chr9-35077304-CTG-C.
Other names: short protein forms Q201fs.
Identifiers: ClinVar variation 3241598 (VCV003241598.2), dbSNP rs1829103511.

ClinVar aggregate classification (germline): Pathogenic/Likely pathogenic. Review status: criteria provided, multiple submitters, no conflicts (2 of 4 stars). 2 submissions from 2 submitters: Pathogenic (1); Likely pathogenic (1). Last evaluated 2025-08-03.

Conditions:
Fanconi anemia (FA). Also called: Fanconi's anemia. Identifiers: Orphanet 84, MedGen C0015625, MeSH D005199, MONDO:0019391.
Fanconi anemia complementation group G. Also called: Fanconi anemia group G; FANCG-Related Fanconi Anemia. Identifiers: Orphanet 84, MedGen C3469527, MONDO:0013565, OMIM 614082.

Allele frequency attached by ClinVar (database versions not stated): gnomAD exomes below 0.00001; TOPMed below 0.00001.

Submissions (2):

Labcorp Genetics (formerly Invitae), Labcorp
Classification: Pathogenic for Fanconi anemia. Last evaluated: 2025-08-03. Review status: criteria provided, single submitter. Criteria: Invitae Variant Classification Sherloc (09022015). Collection method: clinical testing. Allele origin: germline.
Comment: This sequence change creates a premature translational stop signal (p.Gln201Glyfs*33) in the FANCG gene. It is expected to result in an absent or disrupted protein product. Loss-of-function variants in FANCG are known to be pathogenic (PMID: 12552564). This variant is not present in population databases (gnomAD no frequency). This variant has not been reported in the literature in individuals affected with FANCG-related conditions. ClinVar contains an entry for this variant (Variation ID: 3241598). For these reasons, this variant has been classified as Pathogenic.

Baylor Genetics
Classification: Likely pathogenic for Fanconi anemia complementation group G. Last evaluated: 2023-11-22. Review status: criteria provided, single submitter. Criteria: ACMG Guidelines, 2015. Collection method: clinical testing. Allele origin: unknown.

Literature cited by the submitters: PubMed 12552564 (cited by Labcorp Genetics (formerly Invitae), Labcorp).